The following is an entry in ClinVar:

ClinVar aggregate classification (germline): Benign/Likely benign. Review status: criteria provided, multiple submitters, no conflicts (2 of 4 stars). 2 submissions from 2 submitters: Benign (1); Likely benign (1). Last evaluated 2024-07-04.

Conditions:
Familial adenomatous polyposis 1 (FAP1). Also called: FAMILIAL ADENOMATOUS POLYPOSIS 1, ATTENUATED; POLYPOSIS, ADENOMATOUS INTESTINAL. Identifiers: MedGen C2713442, MONDO:0021056, OMIM 175100. Disease mechanism: loss of function.

Submissions (2):

Labcorp Genetics (formerly Invitae), Labcorp
Classification: Likely benign for Familial adenomatous polyposis 1. Last evaluated: 2024-07-04. Review status: criteria provided, single submitter. Criteria: Invitae Variant Classification Sherloc (09022015). Collection method: clinical testing. Allele origin: germline.

Myriad Genetics, Inc.
Classification: Benign for Familial adenomatous polyposis 1. Last evaluated: 2024-04-03. Review status: criteria provided, single submitter. Criteria: Myriad Autosomal Dominant, Autosomal Recessive and X-Linked Classification Criteria (2023). Collection method: clinical testing. Allele origin: unknown.
Comment: This variant is considered benign. This variant is a silent/synonymous amino acid change and it is not expected to impact splicing.

NM_000038.6(APC):c.6180T>C (p.Asn2060=)

Gene: APC (APC regulator of Wnt signaling pathway; plus strand). Cytogenetic location: 5q22.2.
Variant type: single nucleotide variant.
Coding change: c.6180T>C on transcript NM_000038.6 (MANE Select); coding-DNA position 6180, T replaced by C.
Protein change: p.Asn2060=; no amino-acid change (asparagine 2060 retained).
Molecular consequence: synonymous variant. On other transcripts: non-coding transcript variant (2).
Genome position (GRCh38, 1-based): chr5:112,841,774, T>C. VCF-style: chr5-112841774-T-C. GRCh37 (hg19) VCF-style: chr5-112177471-T-C.
Other names: c.6180T>C, p.Asn2060= (NM_001127510.3, NM_001354895.2, NM_001407450.1); c.6126T>C, p.Asn2042= (NM_001127511.3); c.6234T>C, p.Asn2078= (NM_001354896.2, NM_001407447.1, NM_001407448.1 and 1 more transcripts); c.6210T>C, p.Asn2070= (NM_001354897.2); c.6105T>C, p.Asn2035= (NM_001354898.2); c.6096T>C, p.Asn2032= (NM_001354899.2); c.6057T>C, p.Asn2019= (NM_001354900.2); c.6003T>C, p.Asn2001= (NM_001354901.2, NM_001407453.1); and 11 more.
Identifiers: ClinVar variation 3254465 (VCV003254465.3), dbSNP rs2149959039.
Genomic context (GRCh38, chr5:112,841,774, plus strand): 5'-GGAATGTATAAGCTCCGCAATGCCAAAAAAGAAAAAGCCTTCAAGACTCAAGGGTGATAA[T>C]GAAAAACATAGTCCCAGAAATATGGGTGGCATATTAGGTGAAGATCTGACACTTGATTTG-3'
Protein context (NP_000029.2, residues 2050-2070): KKKPSRLKGD[Asn2060=]EKHSPRNMGG